The following is an entry in ClinVar:

NM_000529.2(MC2R):c.*1759C>A

Gene: MC2R (melanocortin 2 receptor; minus strand). Cytogenetic location: 18p11.21.
Variant type: single nucleotide variant.
Coding change: c.*1759C>A on transcript NM_000529.2 (MANE Select); 1759 bases downstream of the stop codon, C replaced by A.
Molecular consequence: 3 prime UTR variant.
Genome position (GRCh38, 1-based): chr18:13,882,866, G>T on the plus strand (C>A on the coding strand, the complement: MC2R is on the minus strand). VCF-style: chr18-13882866-G-T. GRCh37 (hg19) VCF-style: chr18-13882865-G-T.
Other names: c.*1759C>A (NM_001291911.1).
Identifiers: ClinVar variation 326135 (VCV000326135.5), dbSNP rs35547931, ClinGen allele CA10650561.
Genomic context (GRCh38, chr18:13,882,866, plus strand): 5'-GTTGTGCTTTAGATTTCATGAAAAATTAACTTATATATATCTCATATATTAATTAATACA[G>T]GTTAGTATTAGAGTAACATAGTTCATTTGGCAGGGGAAGGATCAAACAGGGAAGGATTTC-3'

ClinVar aggregate classification (germline): Benign (1 of 4 stars; one submission).

Conditions:
Glucocorticoid deficiency 1 (GCCD1). Also called: FAMILIAL GLUCOCORTICOID DEFICIENCY 1; Adrenal unresponsiveness to acth; Glucocorticoid deficiency, due to ACTH unresponsiveness. Identifiers: Orphanet 361, MedGen C4049650, MONDO:0024536, OMIM 202200.

Allele frequency attached by ClinVar (database versions not stated): 1000 Genomes Project 30x 0.01546; 1000 Genomes Project 0.01597; gnomAD 0.01628 and 0.01767; TOPMed 0.01841.

Submission:

Illumina Laboratory Services, Illumina
Classification: Benign for Glucocorticoid deficiency 1. Last evaluated: 2018-01-12. Review status: criteria provided, single submitter. Criteria: ICSL Variant Classification Criteria 13 December 2019. Collection method: clinical testing. Allele origin: germline.
Comment: This variant was observed in the ICSL laboratory as part of a predisposition screen in an ostensibly healthy population. It had not been previously curated by ICSL or reported in the Human Gene Mutation Database (HGMD: prior to June 1st, 2018), and was therefore a candidate for classification through an automated scoring system. Utilizing variant allele frequency, disease prevalence and penetrance estimates, and inheritance mode, an automated score was calculated to assess if this variant is too frequent to cause the disease. Based on the score and internal cut-off values, a variant classified as benign is not then subjected to further curation. The score for this variant resulted in a classification of benign for this disease.